The following is an entry in ClinVar:

ClinVar aggregate classification (germline): Likely benign (0 of 4 stars; one submission).

Conditions:
ALDH4A1-related disorder. Also called: ALDH4A1-related condition.

Allele frequency attached by ClinVar (database versions not stated): gnomAD exomes 0.00001; TOPMed 0.00002; gnomAD 0.00003.
gnomAD v4.1: 18 of 1,612,634 alleles (0.0011%); highest among the groups gnomAD compares: Non-Finnish European, 0.0014%; no homozygotes.

Submission:

PreventionGenetics, part of Exact Sciences
Classification: Likely benign for ALDH4A1-related condition. Last evaluated: 2019-08-15. Review status: no assertion criteria provided. Collection method: clinical testing. Allele origin: germline.
Comment: This variant is classified as likely benign based on ACMG/AMP sequence variant interpretation guidelines (Richards et al. 2015 PMID: 25741868, with internal and published modifications).

NM_003748.4(ALDH4A1):c.87C>T (p.Ser29=)

Gene: ALDH4A1 (aldehyde dehydrogenase 4 family member A1; minus strand). Cytogenetic location: 1p36.13.
Variant type: single nucleotide variant.
Coding change: c.87C>T on transcript NM_003748.4 (MANE Select); coding-DNA position 87, C replaced by T.
Protein change: p.Ser29=; no amino-acid change (serine 29 retained).
Molecular consequence: synonymous variant. On other transcripts: 5 prime UTR variant (1).
Genome position (GRCh38, 1-based): chr1:18,890,081, G>A on the plus strand (C>T on the coding strand, the complement: ALDH4A1 is on the minus strand). VCF-style: chr1-18890081-G-A. GRCh37 (hg19) VCF-style: chr1-19216575-G-A.
Other names: c.-94C>T (NM_001161504.2); c.87C>T, p.Ser29= (NM_001319218.2, NM_170726.3).
Identifiers: ClinVar variation 3053449 (VCV003053449.2), dbSNP rs1239440212, ClinGen allele CA416426454.